The following is an entry in ClinVar:

NM_000368.5(TSC1):c.2149A>C (p.Arg717=)

Gene: TSC1 (TSC complex subunit 1; minus strand). Cytogenetic location: 9q34.13.
Variant type: single nucleotide variant.
Coding change: c.2149A>C on transcript NM_000368.5 (MANE Select); coding-DNA position 2149, A replaced by C.
Protein change: p.Arg717=; no amino-acid change (arginine 717 retained).
Molecular consequence: synonymous variant.
Genome position (GRCh38, 1-based): chr9:132,903,710, T>G on the plus strand (A>C on the coding strand, the complement: TSC1 is on the minus strand). VCF-style: chr9-132903710-T-G. GRCh37 (hg19) VCF-style: chr9-135779097-T-G.
Other names: c.2146A>C, p.Arg716= (NM_001162426.2); c.1996A>C, p.Arg666= (NM_001162427.2); c.1786A>C, p.Arg596= (NM_001362177.2).
Identifiers: ClinVar variation 388671 (VCV000388671.15), dbSNP rs1057523194, ClinGen allele CA16605393.

ClinVar aggregate classification (germline): Benign/Likely benign. Review status: criteria provided, multiple submitters, no conflicts (2 of 4 stars). 5 submissions from 5 submitters: Benign (2); Likely benign (3). Last evaluated 2025-04-24.

Conditions:
Hereditary cancer-predisposing syndrome. Also called: Neoplastic Syndromes, Hereditary; Hereditary neoplastic syndrome; Tumor predisposition; Hereditary Cancer Syndrome. Identifiers: Orphanet 140162, MedGen C0027672, MeSH D009386, MONDO:0015356.
Tuberous sclerosis 1 (TSC1). Identifiers: Orphanet 805, MedGen C1854465, MONDO:0008612, OMIM 191100.

Allele frequency attached by ClinVar (database versions not stated): gnomAD exomes below 0.00001.
gnomAD v4.1: 1 of 1,613,196 alleles (0.000062%); highest among the groups gnomAD compares: Non-Finnish European, 0.000085%; no homozygotes.

Submissions (5):

Myriad Genetics, Inc.
Classification: Benign for Tuberous sclerosis 1. Last evaluated: 2025-04-24. Review status: criteria provided, single submitter. Criteria: Myriad Autosomal Dominant, Autosomal Recessive and X-Linked Classification Criteria (2023). Collection method: clinical testing. Allele origin: unknown.
Comment: This variant is considered benign. This variant is a silent/synonymous amino acid change and it is not expected to impact splicing.

Labcorp Genetics (formerly Invitae), Labcorp
Classification: Likely benign for Tuberous sclerosis 1. Last evaluated: 2024-07-30. Review status: criteria provided, single submitter. Criteria: Invitae Variant Classification Sherloc (09022015). Collection method: clinical testing. Allele origin: germline.

Genome-Nilou Lab
Classification: Benign for Tuberous sclerosis 1. Last evaluated: 2021-11-07. Review status: criteria provided, single submitter. Criteria: ACMG Guidelines, 2015. Collection method: clinical testing. Allele origin: germline. Affected: no.

Ambry Genetics
Classification: Likely benign for Hereditary cancer-predisposing syndrome. Last evaluated: 2020-12-23. Review status: criteria provided, single submitter. Criteria: Ambry Variant Classification Scheme 2023. Collection method: clinical testing. Allele origin: germline.

GeneDx
Classification: Likely benign. Last evaluated: 2016-08-17. Review status: criteria provided, single submitter. Criteria: GeneDx Variant Classification (06012015). Collection method: clinical testing. Allele origin: germline. Affected: yes.
Comment: This variant is considered likely benign or benign based on one or more of the following criteria: it is a conservative change, it occurs at a poorly conserved position in the protein, it is predicted to be benign by multiple in silico algorithms, and/or has population frequency not consistent with disease.